The following is an entry in ClinVar:

ClinVar aggregate classification (germline): Pathogenic (1 of 4 stars; one submission).

Conditions:
Pyridoxine-dependent epilepsy (EPEO4). Also called: PYRIDOXINE DEPENDENCY WITH SEIZURES; Pyridoxine-Dependent Seizures; EPILEPSY, EARLY-ONSET, 4, VITAMIN B6-DEPENDENT; Pyridoxine-Dependent Epilepsy - ALDH7A1. Identifiers: Orphanet 3006, MedGen C1849508, MONDO:0009945, OMIM 266100. Disease mechanism: loss of function.

Submission:

Labcorp Genetics (formerly Invitae), Labcorp
Classification: Pathogenic for Pyridoxine-dependent epilepsy. Last evaluated: 2023-03-03. Review status: criteria provided, single submitter. Criteria: Invitae Variant Classification Sherloc (09022015). Collection method: clinical testing. Allele origin: germline.
Comment: Algorithms developed to predict the effect of sequence changes on RNA splicing suggest that this variant may disrupt the consensus splice site. Disruption of this splice site has been observed in individual(s) with pyridoxine-dependent epilepsy (PMID: 20814824, 34495967). This variant is not present in population databases (gnomAD no frequency). This sequence change affects a donor splice site in intron 12 of the ALDH7A1 gene. It is expected to disrupt RNA splicing. Variants that disrupt the donor or acceptor splice site typically lead to a loss of protein function (PMID: 16199547), and loss-of-function variants in ALDH7A1 are known to be pathogenic (PMID: 16491085, 20554659). For these reasons, this variant has been classified as Pathogenic.

Literature cited by the submitters: PubMed 20814824; PubMed 34495967; PubMed 16199547; PubMed 16491085; PubMed 20554659.

NM_001182.5(ALDH7A1):c.1093+2T>C

Gene: ALDH7A1 (aldehyde dehydrogenase 7 family member A1; minus strand). Cytogenetic location: 5q23.2.
Variant type: single nucleotide variant.
Coding change: c.1093+2T>C on transcript NM_001182.5 (MANE Select); the canonical splice donor site of the intron after coding-DNA position 1093, T replaced by C.
Molecular consequence: splice donor variant. On other transcripts: intron variant (1).
Genome position (GRCh38, 1-based): chr5:126,555,929, A>G on the plus strand (T>C on the coding strand, the complement: ALDH7A1 is on the minus strand). VCF-style: chr5-126555929-A-G. GRCh37 (hg19) VCF-style: chr5-125891621-A-G.
Other names: c.1008+3311T>C (NM_001202404.2); c.1009+2T>C (NM_001201377.2).
Identifiers: ClinVar variation 2842380 (VCV002842380.3), dbSNP rs2480267748, ClinGen allele CA360724475.